The following is an entry in ClinVar:

ClinVar aggregate classification (germline): Likely benign (1 of 4 stars; one submission).

Conditions:
Gastrointestinal stromal tumor. Also called: Gastrointestinal stromal tumor, somatic; Gastrointestinal stroma tumor. Identifiers: Orphanet 44890, MedGen C0238198, MeSH D046152, MONDO:0011719, OMIM 606764, HP:0100723.

Submission:

Myriad Genetics, Inc.
Classification: Likely benign for Gastrointestinal stromal tumor. Last evaluated: 2026-05-27. Review status: criteria provided, single submitter. Criteria: Myriad Autosomal Dominant, Autosomal Recessive and X-Linked Classification Criteria (2023). Collection method: clinical testing. Allele origin: unknown.
Comment: This variant is considered likely benign. This variant is intronic and is not expected to impact mRNA splicing.

NM_000222.3(KIT):c.1648-13T>C

Gene: KIT (KIT proto-oncogene, receptor tyrosine kinase; plus strand). Cytogenetic location: 4q12.
Variant type: single nucleotide variant.
Coding change: c.1648-13T>C on transcript NM_000222.3 (MANE Select); 13 bases into the intron before coding-DNA position 1648, T replaced by C.
Molecular consequence: intron variant.
Genome position (GRCh38, 1-based): chr4:54,727,403, T>C. VCF-style: chr4-54727403-T-C. GRCh37 (hg19) VCF-style: chr4-55593569-T-C.
Other names: c.1651-13T>C (NM_001385284.1, NM_001385290.1); c.1639-13T>C (NM_001385288.1, NM_001385292.1); c.1648-13T>C (NM_001385285.1); c.1636-13T>C (NM_001093772.2, NM_001385286.1).
Identifiers: ClinVar variation 4875997 (VCV004875997.1).